The following is an entry in ClinVar:

NM_001276345.2(TNNT2):c.10A>C (p.Ile4Leu)

Gene: TNNT2 (troponin T2, cardiac type; minus strand). Cytogenetic location: 1q32.1.
Variant type: single nucleotide variant.
Coding change: c.10A>C on transcript NM_001276345.2 (MANE Select); coding-DNA position 10, A replaced by C.
Protein change: p.Ile4Leu; replaces isoleucine 4 with leucine.
Molecular consequence: missense variant.
Genome position (GRCh38, 1-based): chr1:201,373,245, T>G on the plus strand (A>C on the coding strand, the complement: TNNT2 is on the minus strand). VCF-style: chr1-201373245-T-G. GRCh37 (hg19) VCF-style: chr1-201342373-T-G.
Other names: c.10A>C, p.Ile4Leu (NM_000364.4, NM_001001430.3, NM_001001431.3 and 3 more transcripts); short protein forms I4L.
Identifiers: ClinVar variation 449216 (VCV000449216.18), dbSNP rs139705141, ClinGen allele CA026513.
Genomic context (GRCh38, chr1:201,373,245, plus strand): 5'-CACTCAGGCAAGATGCTCCAGATACTCACTCCTCCTCGTACTCTTCCACCACCTCTTCTA[T>G]GTCAGACATGGTCTCTGCTCTCCCTCCAAAAGGAGAAAAAAGTCAGTGCAGGTACAAAGG-3'
Protein context (NP_001263274.1, residues 1-14): MSD[Ile4Leu]EEVVEEYEEE

ClinVar aggregate classification (germline): Uncertain significance. Review status: criteria provided, multiple submitters, no conflicts (2 of 4 stars). 8 submissions from 6 submitters: Uncertain significance (8). Last evaluated 2025-08-04.

Conditions:
Cardiovascular phenotype. Identifiers: MedGen CN230736.
Hypertrophic cardiomyopathy 2. Also called: TNNT2-Related Familial Hypertrophic Cardiomyopathy. Identifiers: MedGen C1861864, MONDO:0007266, OMIM 115195.
Dilated cardiomyopathy 1D. Identifiers: Orphanet 154, Orphanet 54260, MedGen C1832243, MONDO:0011095, OMIM 601494.
Cardiomyopathy, familial restrictive, 3. Identifiers: Orphanet 75249, MedGen C2676271, MONDO:0012900, OMIM 612422.
Cardiomyopathy (CMYO). Also called: Cardiomyopathies. Identifiers: Orphanet 167848, MedGen C0878544, MONDO:0004994, HP:0001638. Inheritance: Various modes of inheritance.

Allele frequency attached by ClinVar (database versions not stated): gnomAD exomes 0.00001; ExAC 0.00002; gnomAD 0.00003 and 0.00004; TOPMed 0.00005; ESP Exome Variant Server 0.00008.
gnomAD v4.1: 7 of 1,614,010 alleles (0.00043%); highest among the groups gnomAD compares: African/African-American, 0.008%; no homozygotes.

Submissions (8):

Color Diagnostics, LLC DBA Color Health
Classification: Uncertain significance for Cardiomyopathy. Last evaluated: 2025-08-04. Review status: criteria provided, single submitter. Criteria: ACMG Guidelines, 2015. Collection method: clinical testing. Allele origin: germline.
Comment: This missense variant replaces isoleucine with leucine at codon 4 of the TNNT2 protein. Computational prediction suggests that this variant may not impact protein structure and function. To our knowledge, functional studies have not been reported for this variant. This variant has not been reported in individuals affected with TNNT2-related disorders in the literature. This variant has been identified in 3/251444 chromosomes in the general population by the Genome Aggregation Database (gnomAD). The available evidence is insufficient to determine the role of this variant in disease conclusively. Therefore, this variant is classified as a Variant of Uncertain Significance.

Labcorp Genetics (formerly Invitae), Labcorp
Classification: Uncertain significance for Cardiomyopathy, familial restrictive, 3; Hypertrophic cardiomyopathy 2; Dilated cardiomyopathy 1D. Last evaluated: 2025-07-21. Review status: criteria provided, single submitter. Criteria: Invitae Variant Classification Sherloc (09022015). Collection method: clinical testing. Allele origin: germline.
Comment: This sequence change replaces isoleucine, which is neutral and non-polar, with leucine, which is neutral and non-polar, at codon 4 of the TNNT2 protein (p.Ile4Leu). This variant is present in population databases (rs139705141, gnomAD 0.01%). This missense change has been observed in individual(s) with hypertrophic cardiomyopathy (PMID: 37652022). ClinVar contains an entry for this variant (Variation ID: 449216). An algorithm developed to predict the effect of missense changes on protein structure and function outputs the following: PolyPhen-2: "Not Available". The leucine amino acid residue is found in multiple mammalian species, which suggests that this missense change does not adversely affect protein function. In summary, the available evidence is currently insufficient to determine the role of this variant in disease. Therefore, it has been classified as a Variant of Uncertain Significance.

All of Us Research Program, National Institutes of Health
Classification: Uncertain significance for Cardiomyopathy. Last evaluated: 2024-02-05. Review status: criteria provided, single submitter. Criteria: ACMG Guidelines, 2015. Collection method: clinical testing. Allele origin: germline. Inheritance: Autosomal dominant inheritance. Observed: 5 variant alleles, 5 heterozygotes.
Comment: This missense variant replaces isoleucine with leucine at codon 4 of the TNNT2 protein. Computational prediction suggests that this variant may not impact protein structure and function (internally defined REVEL score threshold <= 0.5, PMID: 27666373). To our knowledge, functional studies have not been reported for this variant. This variant has not been reported in individuals affected with TNNT2-related disorders in the literature. This variant has been identified in 3/251444 chromosomes in the general population by the Genome Aggregation Database (gnomAD). The available evidence is insufficient to determine the role of this variant in disease conclusively. Therefore, this variant is classified as a Variant of Uncertain Significance.

This study involves interpretation of variants in research participants for the purpose of population health screening. Participant phenotype was not available at the time of variant classification. Additional details can be found in publication PMID: 35346344, PMCID: PMC8962531

Genome-Nilou Lab
Classification: Uncertain significance for Dilated cardiomyopathy 1D. Last evaluated: 2023-11-04. Review status: criteria provided, single submitter. Criteria: ACMG Guidelines, 2015. Collection method: clinical testing. Allele origin: germline. Affected: no.

Genome-Nilou Lab
Classification: Uncertain significance for Cardiomyopathy, familial restrictive, 3. Last evaluated: 2023-11-04. Review status: criteria provided, single submitter. Criteria: ACMG Guidelines, 2015. Collection method: clinical testing. Allele origin: germline. Affected: no.

Genome-Nilou Lab
Classification: Uncertain significance for Hypertrophic cardiomyopathy 2. Last evaluated: 2023-11-04. Review status: criteria provided, single submitter. Criteria: ACMG Guidelines, 2015. Collection method: clinical testing. Allele origin: germline. Affected: no.

Ambry Genetics
Classification: Uncertain significance for Cardiovascular phenotype. Last evaluated: 2023-04-25. Review status: criteria provided, single submitter. Criteria: Ambry Variant Classification Scheme 2023. Collection method: clinical testing. Allele origin: germline.
Comment: The p.I4L variant (also known as c.10A>C), located in coding exon 1 of the TNNT2 gene, results from an A to C substitution at nucleotide position 10. The isoleucine at codon 4 is replaced by leucine, an amino acid with highly similar properties. This alteration has been reported in a population cohort in an individual without apparent cardiomyopathy (Bick AG et al. Am. J. Hum. Genet., 2012 Sep;91:513-9). This amino acid position is poorly conserved in available vertebrate species. In addition, this alteration is predicted to be tolerated by in silico analysis. Since supporting evidence is limited at this time, the clinical significance of this alteration remains unclear.

GeneDx
Classification: Uncertain significance. Last evaluated: 2020-03-16. Review status: criteria provided, single submitter. Criteria: GeneDx Variant Classification Process June 2021. Collection method: clinical testing. Allele origin: germline. Affected: yes.
Comment: Reported in ClinVar as a variant of uncertain significance (ClinVar Variant ID# 449216; Landrum et al., 2016); Not observed at a significant frequency in large population cohorts (Lek et al., 2016); In silico analysis supports that this missense variant does not alter protein structure/function; This variant is associated with the following publications: (PMID: 22958901)

Literature cited by the submitters: PubMed 37652022 (cited by Labcorp Genetics (formerly Invitae), Labcorp); PubMed 22958901 (cited by Ambry Genetics).